The following is an entry in ClinVar:

ClinVar aggregate classification (germline): Uncertain significance (1 of 4 stars; one submission).

Submission:

CeGaT Center for Human Genetics Tuebingen
Classification: Uncertain significance. Last evaluated: 2024-11-01. Review status: criteria provided, single submitter. Criteria: CeGaT Center For Human Genetics Tuebingen Variant Classification Criteria Version 2. Collection method: clinical testing. Allele origin: germline. Affected: yes. Observed: 1 variant allele.
Comment: SACS: PM2

NM_014363.6(SACS):c.3292C>T (p.Leu1098Phe)

Gene: SACS (sacsin molecular chaperone; minus strand). Cytogenetic location: 13q12.12.
Variant type: single nucleotide variant.
Coding change: c.3292C>T on transcript NM_014363.6 (MANE Select); coding-DNA position 3292, C replaced by T.
Protein change: p.Leu1098Phe; replaces leucine 1098 with phenylalanine.
Molecular consequence: missense variant.
Genome position (GRCh38, 1-based): chr13:23,340,584, G>A on the plus strand (C>T on the coding strand, the complement: SACS is on the minus strand). VCF-style: chr13-23340584-G-A. GRCh37 (hg19) VCF-style: chr13-23914723-G-A.
Other names: c.2851C>T, p.Leu951Phe (NM_001278055.2); short protein forms L1098F, L951F.
Identifiers: ClinVar variation 806991 (VCV000806991.42), dbSNP rs1593132851, ClinGen allele CA387536027.